The following is an entry in ClinVar:

NM_000257.4(MYH7):c.2664G>T (p.Gln888His)

Genes: MYH7 (myosin heavy chain 7; minus strand), LOC126861898 (BRD4-independent group 4 enhancer GRCh37_chr14:23893609-23894808; plus strand). Cytogenetic location: 14q11.2.
Variant type: single nucleotide variant.
Coding change: c.2664G>T on transcript NM_000257.4 (MANE Select); coding-DNA position 2664, G replaced by T.
Protein change: p.Gln888His; replaces glutamine 888 with histidine.
Molecular consequence: missense variant.
Genome position (GRCh38, 1-based): chr14:23,424,784, C>A on the plus strand (G>T on the coding strand, the complement: MYH7 is on the minus strand). VCF-style: chr14-23424784-C-A. GRCh37 (hg19) VCF-style: chr14-23893993-C-A.
Other names: short protein forms Q888H.
Identifiers: ClinVar variation 1401100 (VCV001401100.8), dbSNP rs372875657, ClinGen allele CA389047840.

ClinVar aggregate classification (germline): Uncertain significance (1 of 4 stars; one submission).

Conditions:
Hypertrophic cardiomyopathy. Also called: HYPERTROPHIC MYOCARDIOPATHY. Identifiers: Orphanet 217569, MedGen C0007194, MeSH D002312, MONDO:0005045, HP:0001639.

Allele frequency attached by ClinVar (database versions not stated): gnomAD exomes below 0.00001.
gnomAD v4.1: 1 of 1,614,188 alleles (0.000062%); highest among the groups gnomAD compares: Non-Finnish European, 0.000085%; no homozygotes.

Submission:

Labcorp Genetics (formerly Invitae), Labcorp
Classification: Uncertain significance for Hypertrophic cardiomyopathy. Last evaluated: 2023-09-12. Review status: criteria provided, single submitter. Criteria: Invitae Variant Classification Sherloc (09022015). Collection method: clinical testing. Allele origin: germline.
Comment: This sequence change replaces glutamine, which is neutral and polar, with histidine, which is basic and polar, at codon 888 of the MYH7 protein (p.Gln888His). This variant is present in population databases (no rsID available, gnomAD 0.0009%). In summary, the available evidence is currently insufficient to determine the role of this variant in disease. Therefore, it has been classified as a Variant of Uncertain Significance. This variant is found within a region of MYH7 between codons 181 and 937 that contains the majority of the myosin head domain. Missense variants in this region have been shown to be significantly overrepresented in individuals with hypertrophic cardiomyopathy (PMID: 27532257). Advanced modeling of protein sequence and biophysical properties (such as structural, functional, and spatial information, amino acid conservation, physicochemical variation, residue mobility, and thermodynamic stability) performed at Invitae indicates that this missense variant is expected to disrupt MYH7 protein function. ClinVar contains an entry for this variant (Variation ID: 1401100). This variant has not been reported in the literature in individuals affected with MYH7-related conditions.

Literature cited by the submitters: PubMed 27532257.